The following is an entry in ClinVar:

NM_004655.4(AXIN2):c.2303A>T (p.Tyr768Phe)

Gene: AXIN2 (axin 2; minus strand). Cytogenetic location: 17q24.1.
Variant type: single nucleotide variant.
Coding change: c.2303A>T on transcript NM_004655.4 (MANE Select); coding-DNA position 2303, A replaced by T.
Protein change: p.Tyr768Phe; replaces tyrosine 768 with phenylalanine.
Molecular consequence: missense variant.
Genome position (GRCh38, 1-based): chr17:65,534,014, T>A on the plus strand (A>T on the coding strand, the complement: AXIN2 is on the minus strand). VCF-style: chr17-65534014-T-A. GRCh37 (hg19) VCF-style: chr17-63530132-T-A.
Other names: c.2108A>T, p.Tyr703Phe (NM_001363813.1); c.2303A>T (LRG_296t1); short protein forms Y768F, Y703F.
Identifiers: ClinVar variation 533171 (VCV000533171.14), dbSNP rs764845153, ClinGen allele CA8718324.
Genomic context (GRCh38, chr17:65,534,014, plus strand): 5'-AGGGTCAAGCTCTGAGCCTTCAGCATCCTCCGGTATGGAATTTCTTCCCCACAGAAAAAG[T>A]AAGTGACAACCAACTCACTGGCCTGGAGCGCGTGGACACCTGCCAGTTTCTTTGGCTCTT-3'
Protein context (NP_004646.3, residues 758-778): ALQASELVVT[Tyr768Phe]FFCGEEIPYR

ClinVar aggregate classification (germline): Uncertain significance. Review status: criteria provided, multiple submitters, no conflicts (2 of 4 stars). 3 submissions from 3 submitters: Uncertain significance (3). Last evaluated 2026-09-02.

Conditions:
Hereditary cancer-predisposing syndrome. Also called: Neoplastic Syndromes, Hereditary; Hereditary Cancer Syndrome; Tumor predisposition; Hereditary neoplastic syndrome. Identifiers: Orphanet 140162, MedGen C0027672, MeSH D009386, MONDO:0015356.
Oligodontia-cancer predisposition syndrome. Also called: TOOTH AGENESIS-COLORECTAL CANCER SYNDROME. Identifiers: Orphanet 300576, MedGen C1837750, MONDO:0012075, OMIM 608615. Disease mechanism: loss of function.

Allele frequency attached by ClinVar (database versions not stated): gnomAD exomes below 0.00001; gnomAD 0.00001; TOPMed below 0.00001; ExAC 0.00001.
gnomAD v4.1: 2 of 1,614,100 alleles (0.00012%); highest among the groups gnomAD compares: Admixed American, 0.0033%; no homozygotes.

Submissions (3):

GeneDx
Classification: Uncertain significance. Last evaluated: 2026-09-02. Review status: criteria provided, single submitter. Criteria: GeneDx Variant Classification Process June 2021. Collection method: clinical testing. Allele origin: germline.
Comment: Not observed at significant frequency in large population cohorts (gnomAD); In silico analysis supports that this missense variant has a deleterious effect on protein structure/function; Has not been previously published as pathogenic or benign to our knowledge; This variant is associated with the following publications: (PMID: 15735151, 27535533)

Labcorp Genetics (formerly Invitae), Labcorp
Classification: Uncertain significance for Oligodontia-cancer predisposition syndrome. Last evaluated: 2025-10-26. Review status: criteria provided, single submitter. Criteria: Invitae Variant Classification Sherloc (09022015). Collection method: clinical testing. Allele origin: germline.
Comment: This sequence change replaces tyrosine, which is neutral and polar, with phenylalanine, which is neutral and non-polar, at codon 768 of the AXIN2 protein (p.Tyr768Phe). This variant is present in population databases (rs764845153, gnomAD 0.003%). This variant has not been reported in the literature in individuals affected with AXIN2-related conditions. ClinVar contains an entry for this variant (Variation ID: 533171). Invitae Evidence Modeling of protein sequence and biophysical properties (such as structural, functional, and spatial information, amino acid conservation, physicochemical variation, residue mobility, and thermodynamic stability) indicates that this missense variant is expected to disrupt AXIN2 protein function with a positive predictive value of 80%. In summary, the available evidence is currently insufficient to determine the role of this variant in disease. Therefore, it has been classified as a Variant of Uncertain Significance.

Ambry Genetics
Classification: Uncertain significance for Hereditary cancer-predisposing syndrome. Last evaluated: 2024-10-12. Review status: criteria provided, single submitter. Criteria: Ambry Variant Classification Scheme 2023. Collection method: clinical testing. Allele origin: germline.
Comment: The p.Y768F variant (also known as c.2303A>T), located in coding exon 9 of the AXIN2 gene, results from an A to T substitution at nucleotide position 2303. The tyrosine at codon 768 is replaced by phenylalanine, an amino acid with highly similar properties. This amino acid position is conserved. In addition, the in silico prediction for this alteration is inconclusive. Since supporting evidence is limited at this time, the clinical significance of this alteration remains unclear.